The following is an entry in ClinVar:

ClinVar aggregate classification (germline): Uncertain significance (1 of 4 stars; one submission).

Submission:

Ambry Genetics
Classification: Uncertain significance. Last evaluated: 2025-08-19. Review status: criteria provided, single submitter. Criteria: Ambry Variant Classification Scheme 2023. Collection method: clinical testing. Allele origin: germline.
Comment: The p.S1389A variant (also known as c.4165T>G), located in coding exon 37 of the KIF1B gene, results from a T to G substitution at nucleotide position 4165. The serine at codon 1389 is replaced by alanine, an amino acid with similar properties. This amino acid position is conserved. In addition, this alteration is predicted to be tolerated by in silico analysis. Based on the available evidence, the clinical significance of this variant remains unclear.

NM_001365951.3(KIF1B):c.4303T>G (p.Ser1435Ala)

Gene: KIF1B (kinesin family member 1B; plus strand). Cytogenetic location: 1p36.22.
Variant type: single nucleotide variant.
Coding change: c.4303T>G on transcript NM_001365951.3 (MANE Select); coding-DNA position 4303, T replaced by G.
Protein change: p.Ser1435Ala; replaces serine 1435 with alanine.
Molecular consequence: missense variant.
Genome position (GRCh38, 1-based): chr1:10,361,824, T>G. VCF-style: chr1-10361824-T-G. GRCh37 (hg19) VCF-style: chr1-10421882-T-G.
Other names: c.4303T>G, p.Ser1435Ala (NM_001365952.1); c.4165T>G, p.Ser1389Ala (NM_015074.3); short protein forms S1389A, S1435A.
Identifiers: ClinVar variation 4092377 (VCV004092377.1).
Genomic context (GRCh38, chr1:10,361,824, plus strand): 5'-ATCTCACCACCACGCTCTCTGCGTAGCCTCTTTGGCAGCGGCTACTCAAAGTCACCAGAT[T>G]CGTAAGTTTTTCACACAAGTTAGCTTCCAGTGTGTTTGTTCAGTACAACAGAATCATTAG-3'
Protein context (NP_001352880.1, residues 1425-1445): FGSGYSKSPD[Ser1435Ala]NRVTGIYELS